The following is an entry in ClinVar:

ClinVar aggregate classification (germline): Conflicting classifications of pathogenicity. Review status: criteria provided, conflicting classifications (1 of 4 stars). 2 submissions from 2 submitters: Pathogenic (1); Uncertain significance (1). Last evaluated 2026-02-05.

Conditions:
Hereditary cancer-predisposing syndrome. Also called: Tumor predisposition; Hereditary Cancer Syndrome; Neoplastic Syndromes, Hereditary; Hereditary neoplastic syndrome. Identifiers: Orphanet 140162, MedGen C0027672, MeSH D009386, MONDO:0015356.

Submissions (2):

Ambry Genetics
Classification: Uncertain significance for Hereditary cancer-predisposing syndrome. Last evaluated: 2026-02-05. Review status: criteria provided, single submitter. Criteria: Ambry Variant Classification Scheme 2023. Collection method: clinical testing. Allele origin: germline.
Comment: The c.2725dupC variant, located in coding exon 24 of the POLE gene, results from a duplication of C at nucleotide position 2725, causing a translational frameshift with a predicted alternate stop codon (p.Q909Pfs*7). This alteration is expected to result in loss of function by premature protein truncation or nonsense-mediated mRNA decay. Although biallelic loss of function of POLE has been associated with autosomal recessive POLE deficiency, haploinsufficiency of POLE has not been established as a mechanism of disease for POLE-related polymerase proofreading-associated polyposis (PPAP) and POLE-related CMMRD-like syndrome. Based on the supporting evidence, this variant is expected to be causative of POLE deficiency when present along with a second pathogenic variant on the other allele; however, its clinical significance for PPAP and POLE-related CMMRD-like syndrome is unclear.

Labcorp Genetics (formerly Invitae), Labcorp
Classification: Pathogenic. Last evaluated: 2023-04-06. Review status: criteria provided, single submitter. Criteria: Invitae Variant Classification Sherloc (09022015). Collection method: clinical testing. Allele origin: germline.
Comment: This sequence change creates a premature translational stop signal (p.Gln909Profs*7) in the POLE gene. It is expected to result in an absent or disrupted protein product. Loss-of-function variants in POLE are known to be pathogenic (PMID: 23230001, 25948378, 30503519). This variant is not present in population databases (gnomAD no frequency). This variant has not been reported in the literature in individuals affected with POLE-related conditions. ClinVar contains an entry for this variant (Variation ID: 484584). For these reasons, this variant has been classified as Pathogenic.

Literature cited by the submitters: PubMed 23230001 (cited by Labcorp Genetics (formerly Invitae), Labcorp); PubMed 25948378 (cited by Labcorp Genetics (formerly Invitae), Labcorp); PubMed 30503519 (cited by Labcorp Genetics (formerly Invitae), Labcorp).

NM_006231.4(POLE):c.2725dup (p.Gln909fs)

Gene: POLE (DNA polymerase epsilon, catalytic subunit; minus strand). Cytogenetic location: 12q24.33.
Variant type: Duplication.
Coding change: c.2725dup on transcript NM_006231.4 (MANE Select); coding-DNA position 2725, one base duplicated (C; older notation c.2725dupC).
Protein change: p.Gln909fs; shifts the reading frame from glutamine 909.
Molecular consequence: frameshift variant.
Genome position (GRCh38, 1-based): chr12:132,661,666, G duplicated on the plus strand (C on the coding strand, the reverse complement: POLE is on the minus strand); the first of 2 consecutive G bases (chr12:132,661,666-132,661,667); duplicating either gives the same sequence. VCF-style (leftmost placement, unchanged base first): chr12-132661665-T-TG. GRCh37 (hg19) VCF-style: chr12-133238251-T-TG.
Other names: short protein forms Q909fs.
Identifiers: ClinVar variation 484584 (VCV000484584.9), dbSNP rs1555226059, ClinGen allele CA658658194.